The following is an entry in ClinVar:

ClinVar aggregate classification (germline): Uncertain significance (1 of 4 stars; one submission).

Allele frequency attached by ClinVar (database versions not stated): ExAC 0.00002; gnomAD 0.00002; ESP Exome Variant Server 0.00015.
gnomAD v4.1: 15 of 1,612,650 alleles (0.00093%); highest among the groups gnomAD compares: Non-Finnish European, 0.0013%; no homozygotes.

Submission:

Labcorp Genetics (formerly Invitae), Labcorp
Classification: Uncertain significance. Last evaluated: 2022-10-27. Review status: criteria provided, single submitter. Criteria: Invitae Variant Classification Sherloc (09022015). Collection method: clinical testing. Allele origin: germline.
Comment: In summary, the available evidence is currently insufficient to determine the role of this variant in disease. Therefore, it has been classified as a Variant of Uncertain Significance. Algorithms developed to predict the effect of sequence changes on RNA splicing suggest that this variant may disrupt the consensus splice site. This variant has not been reported in the literature in individuals affected with LIPI-related conditions. This variant is present in population databases (rs375330994, gnomAD 0.002%). This sequence change affects codon 302 of the LIPI mRNA. It is a 'silent' change, meaning that it does not change the encoded amino acid sequence of the LIPI protein.

NM_001302998.2(LIPI):c.843C>T (p.Tyr281=)

Gene: LIPI (lipase I; minus strand). Cytogenetic location: 21q11.2.
Variant type: single nucleotide variant.
Coding change: c.843C>T on transcript NM_001302998.2 (MANE Select); coding-DNA position 843, C replaced by T.
Protein change: p.Tyr281=; no amino-acid change (tyrosine 281 retained).
Molecular consequence: synonymous variant.
Genome position (GRCh38, 1-based): chr21:14,165,281, G>A on the plus strand (C>T on the coding strand, the complement: LIPI is on the minus strand). VCF-style: chr21-14165281-G-A. GRCh37 (hg19) VCF-style: chr21-15537602-G-A.
Other names: c.753C>T, p.Tyr251= (NM_001302999.2); c.843C>T, p.Tyr281= (NM_001303000.2, NM_001303001.2); c.738C>T, p.Tyr246= (NM_001379565.1); c.348C>T, p.Tyr116= (NM_001379566.1); c.708C>T, p.Tyr236= (NM_198996.4).
Identifiers: ClinVar variation 1945172 (VCV001945172.5), dbSNP rs375330994, ClinGen allele CA9979514.
Genomic context (GRCh38, chr21:14,165,281, plus strand): 5'-ACCCAGCCGAGGACATGATTTTTCCTTAAAACAGTCACAGTCCACACATAAGCTAGTCTT[G>A]TAATCTTTGTATGAACGACAAGGAAATGAAATAAAATTGCAGTTTGTTTCTAAAGATGCC-3'
Protein context (NP_001289927.1, residues 271-291): ISFPCRSYKD[Tyr281=]KTSLCVDCDC